The following is an entry in ClinVar:

NM_001080449.3(DNA2):c.515A>G (p.Asn172Ser)

Gene: DNA2 (DNA replication helicase/nuclease 2; minus strand). Cytogenetic location: 10q21.3.
Variant type: single nucleotide variant.
Coding change: c.515A>G on transcript NM_001080449.3 (MANE Select); coding-DNA position 515, A replaced by G.
Protein change: p.Asn172Ser; replaces asparagine 172 with serine.
Molecular consequence: missense variant. On other transcripts: non-coding transcript variant (1).
Genome position (GRCh38, 1-based): chr10:68,465,739, T>C on the plus strand (A>G on the coding strand, the complement: DNA2 is on the minus strand). VCF-style: chr10-68465739-T-C. GRCh37 (hg19) VCF-style: chr10-70225496-T-C.
Other names: short protein forms N172S.
Identifiers: ClinVar variation 3666650 (VCV003666650.2).

ClinVar aggregate classification (germline): Uncertain significance (1 of 4 stars; one submission).

Submission:

Labcorp Genetics (formerly Invitae), Labcorp
Classification: Uncertain significance. Last evaluated: 2024-10-31. Review status: criteria provided, single submitter. Criteria: Invitae Variant Classification Sherloc (09022015). Collection method: clinical testing. Allele origin: germline.
Comment: This sequence change replaces asparagine, which is neutral and polar, with serine, which is neutral and polar, at codon 172 of the DNA2 protein (p.Asn172Ser). This variant is not present in population databases (gnomAD no frequency). This variant has not been reported in the literature in individuals affected with DNA2-related conditions. Invitae Evidence Modeling of protein sequence and biophysical properties (such as structural, functional, and spatial information, amino acid conservation, physicochemical variation, residue mobility, and thermodynamic stability) indicates that this missense variant is not expected to disrupt DNA2 protein function with a negative predictive value of 80%. In summary, the available evidence is currently insufficient to determine the role of this variant in disease. Therefore, it has been classified as a Variant of Uncertain Significance.